The following is an entry in ClinVar:

NM_024675.4(PALB2):c.3295_3301del (p.Thr1099fs)

Gene: PALB2 (partner and localizer of BRCA2; minus strand). Cytogenetic location: 16p12.2.
Variant type: Deletion.
Coding change: c.3295_3301del on transcript NM_024675.4 (MANE Select); coding-DNA positions 3295 to 3301, 7 bases deleted (ACGACTC; older notation c.3295_3301delACGACTC).
Protein change: p.Thr1099fs; shifts the reading frame from threonine 1099.
Molecular consequence: frameshift variant.
Genome position (GRCh38, 1-based): chr16:23,607,913-23,607,919, GAGTCGT deleted on the plus strand (ACGACTC on the coding strand, the reverse complement: PALB2 is on the minus strand). VCF-style (leftmost placement, unchanged base first): chr16-23607912-AGAGTCGT-A. GRCh37 (hg19) VCF-style: chr16-23619233-AGAGTCGT-A.
Other names: c.3295_3301delACGACTC (NM_024675.3); short protein forms T1099fs.
Identifiers: ClinVar variation 265572 (VCV000265572.2), dbSNP rs886039635, ClinGen allele CA10588599.

ClinVar aggregate classification (germline): Likely pathogenic (1 of 4 stars; one submission).

Submission:

GeneDx
Classification: Likely pathogenic. Last evaluated: 2017-06-28. Review status: criteria provided, single submitter. Criteria: GeneDx Variant Classification (06012015). Collection method: clinical testing. Allele origin: germline. Affected: yes.
Comment: This apparently mosaic deletion of 7 nucleotides in PALB2 is denoted c.3295_3301delACGACTC at thecDNA level and p.Thr1099SerfsX5 (T1099SfsX5) at the protein level. The normal sequence, with the bases that aredeleted in braces, is TAAG{ACGACTC}TCAG. The deletion causes a frameshift which changes a Threonine to aSerine at codon 1099, and creates a premature stop codon at position 5 of the new reading frame. Even though thisframeshift occurs in the second to last exon of the gene, and nonsense-mediated decay is not expected to occur, it issignificant since the last 88 amino acids are no longer translated resulting in the loss of the WD5, WD6, and WD7repeats as well as a region required for interaction with RAD51, BRCA2, and POLH (UniProt). Although this varianthas not, to our knowledge, been reported in the literature, it is predicted to cause loss of normal protein functionthrough protein truncation. Based on the currently available information, we consider this deletion to be a likelypathogenic variant.